The following is an entry in ClinVar:

ClinVar aggregate classification (germline): Pathogenic. Review status: criteria provided, multiple submitters, no conflicts (2 of 4 stars). 3 submissions from 3 submitters: Pathogenic (3). Last evaluated 2025-07-11.

Conditions:
Autosomal dominant hypocalcemia 1 (HYPOC1). Also called: HYPOCALCEMIA, FAMILIAL. Identifiers: MedGen C3715128, MONDO:0011013, OMIM 601198.
Familial hypocalciuric hypercalcemia (FHH). Also called: Familial benign hypercalcemia. Identifiers: Orphanet 405, MedGen C1809471, MONDO:0018458.

gnomAD v4.1: 2 of 1,614,062 alleles (0.00012%); highest among the groups gnomAD compares: Non-Finnish European, 0.000085%; no homozygotes.

Submissions (3):

Women's Health and Genetics/Laboratory Corporation of America, LabCorp
Classification: Pathogenic for Familial hypocalciuric hypercalcemia. Last evaluated: 2025-07-11. Review status: criteria provided, single submitter. Criteria: LabCorp Variant Classification Summary - May 2015. Collection method: clinical testing. Allele origin: germline.
Comment: Variant summary: CASR c.2656C>T (p.Arg886Trp) results in a non-conservative amino acid change in the encoded protein sequence. Algorithms developed to predict the effect of missense changes on protein structure and function all suggest that this variant is likely to be disruptive. The variant was absent in 250730 control chromosomes. c.2656C>T has been observed in multiple individuals affected with Familial Hypocalciuric Hypercalcemia (Nissen_2007) and observed to segregate with disease. These data indicate that the variant is very likely to be associated with disease. A different variant affecting the same codon has been classified as likely pathogenic/pathogenic by our lab (c.2657G>C, p.Arg886Pro), supporting the critical relevance of codon 886 to CASR protein function. To our knowledge, no experimental evidence demonstrating an impact on protein function has been reported. The following publication have been ascertained in the context of this evaluation (PMID: 17698911). ClinVar contains an entry for this variant (Variation ID: 935768). Based on the evidence outlined above, the variant was classified as pathogenic.

Center for Genomic Medicine, Rigshospitalet, Copenhagen University Hospital
Classification: Pathogenic. Last evaluated: 2025-03-04. Review status: criteria provided, single submitter. Criteria: ACMG Guidelines, 2015. Collection method: clinical testing. Allele origin: germline.

Labcorp Genetics (formerly Invitae), Labcorp
Classification: Pathogenic for Familial hypocalciuric hypercalcemia; Autosomal dominant hypocalcemia 1. Last evaluated: 2019-06-28. Review status: criteria provided, single submitter. Criteria: Invitae Variant Classification Sherloc (09022015). Collection method: clinical testing. Allele origin: germline.
Comment: This sequence change replaces arginine with tryptophan at codon 886 of the CASR protein (p.Arg886Trp). The arginine residue is highly conserved and there is a moderate physicochemical difference between arginine and tryptophan. This variant is not present in population databases (ExAC no frequency). This variant has been observed to segregate with hypocalciuric hypercalcemia in families (PMID: 17698911). Algorithms developed to predict the effect of missense changes on protein structure and function (SIFT, PolyPhen-2, Align-GVGD) all suggest that this variant is likely to be disruptive, but these predictions have not been confirmed by published functional studies and their clinical significance is uncertain. For these reasons, this variant has been classified as Pathogenic.

Literature cited by the submitters: PubMed 17698911 (cited by Women's Health and Genetics/Laboratory Corporation of America, LabCorp and Labcorp Genetics (formerly Invitae), Labcorp).

NM_000388.4(CASR):c.2656C>T (p.Arg886Trp)

Gene: CASR (calcium sensing receptor; plus strand). Cytogenetic location: 3q21.1.
Variant type: single nucleotide variant.
Coding change: c.2656C>T on transcript NM_000388.4 (MANE Select); coding-DNA position 2656, C replaced by T.
Protein change: p.Arg886Trp; replaces arginine 886 with tryptophan.
Molecular consequence: missense variant.
Genome position (GRCh38, 1-based): chr3:122,284,610, C>T. VCF-style: chr3-122284610-C-T. GRCh37 (hg19) VCF-style: chr3-122003457-C-T.
Other names: c.2686C>T, p.Arg896Trp (NM_001178065.2); short protein forms R886W, R896W.
Identifiers: ClinVar variation 935768 (VCV000935768.17), dbSNP rs1559969429, ClinGen allele CA354160501.
Genomic context (GRCh38, chr3:122,284,610, plus strand): 5'-CGCAACACCATCGAGGAGGTGCGTTGCAGCACCGCAGCTCACGCTTTCAAGGTGGCTGCC[C>T]GGGCCACGCTGCGCCGCAGCAACGTCTCCCGCAAGCGGTCCAGCAGCCTTGGAGGCTCCA-3'
Protein context (NP_000379.3, residues 876-896): TAAHAFKVAA[Arg886Trp]ATLRRSNVSR